The following is an entry in ClinVar:

ClinVar aggregate classification (germline): Likely pathogenic (1 of 4 stars; one submission).

Submission:

GeneDx
Classification: Likely pathogenic. Last evaluated: 2023-09-18. Review status: criteria provided, single submitter. Criteria: GeneDx Variant Classification Process June 2021. Collection method: clinical testing. Allele origin: germline. Affected: yes.
Comment: Nonsense variant predicted to result in protein truncation or nonsense mediated decay in a gene for which loss of function is a known mechanism of disease; Not observed at significant frequency in large population cohorts (gnomAD); Has not been previously published as pathogenic or benign to our knowledge

NM_024665.7(TBL1XR1):c.1177G>T (p.Glu393Ter)

Gene: TBL1XR1 (TBL1X/Y related 1; minus strand). Cytogenetic location: 3q26.32.
Variant type: single nucleotide variant.
Coding change: c.1177G>T on transcript NM_024665.7 (MANE Select); coding-DNA position 1177, G replaced by T.
Protein change: p.Glu393Ter; replaces glutamic acid 393 with a stop codon.
Molecular consequence: nonsense.
Genome position (GRCh38, 1-based): chr3:177,034,271, C>A on the plus strand (G>T on the coding strand, the complement: TBL1XR1 is on the minus strand). VCF-style: chr3-177034271-C-A. GRCh37 (hg19) VCF-style: chr3-176752059-C-A.
Other names: c.1177G>T, p.Glu393Ter (NM_001321193.3, NM_001321194.3, NM_001374327.1 and 2 more transcripts); c.916G>T, p.Glu306Ter (NM_001321195.3, NM_001374330.1); short protein forms E306*, E393*.
Identifiers: ClinVar variation 3340695 (VCV003340695.1).